The following is an entry in ClinVar:

ClinVar aggregate classification (germline): Likely benign. Review status: criteria provided, multiple submitters, no conflicts (2 of 4 stars). 2 submissions from 2 submitters: Likely benign (2). Last evaluated 2026-07-08.

Conditions:
Rhabdoid tumor predisposition syndrome 2 (RTPS2). Identifiers: Orphanet 231108, Orphanet 69077, MedGen C2750074, MONDO:0013224, OMIM 613325.

Submissions (2):

Myriad Genetics, Inc.
Classification: Likely benign for Rhabdoid tumor predisposition syndrome 2. Last evaluated: 2026-07-08. Review status: criteria provided, single submitter. Criteria: Myriad Autosomal Dominant, Autosomal Recessive and X-Linked Classification Criteria (2023). Collection method: clinical testing. Allele origin: unknown.
Comment: This variant is considered likely benign. This variant is intronic and is not expected to impact mRNA splicing.

Labcorp Genetics (formerly Invitae), Labcorp
Classification: Likely benign for Rhabdoid tumor predisposition syndrome 2. Last evaluated: 2025-02-04. Review status: criteria provided, single submitter. Criteria: Invitae Variant Classification Sherloc (09022015). Collection method: clinical testing. Allele origin: germline.

NM_003072.5(SMARCA4):c.3775-10T>C

Gene: SMARCA4 (SWI/SNF related BAF chromatin remodeling complex subunit ATPase 4; plus strand). Cytogenetic location: 19p13.2.
Variant type: single nucleotide variant.
Coding change: c.3775-10T>C on transcript NM_003072.5 (MANE Select); 10 bases into the intron before coding-DNA position 3775, T replaced by C.
Molecular consequence: intron variant.
Genome position (GRCh38, 1-based): chr19:11,033,757, T>C. VCF-style: chr19-11033757-T-C. GRCh37 (hg19) VCF-style: chr19-11144433-T-C.
Other names: c.3775-10T>C (NM_001128844.3, NM_001128849.3); c.3774+240T>C (NM_001128847.4, NM_001374457.1, NM_001128845.2 and 2 more transcripts).
Identifiers: ClinVar variation 756385 (VCV000756385.9), dbSNP rs1600393034, ClinGen allele CA915951634.
Genomic context (GRCh38, chr19:11,033,757, plus strand): 5'-TTTTCTAAACTGCTGGTGAAAGACGCCGGATTGACAGCCCTGGAGACTGAAGTCCTCTAT[T>C]TATCCACAGAGCAGACACTGCAGCACGGGCAGCGGCAGTGCCAGCTTCGCCCACACTGCC-3'